The following is an entry in ClinVar:

NM_022132.5(MCCC2):c.1052A>G (p.Tyr351Cys)

Gene: MCCC2 (methylcrotonyl-CoA carboxylase subunit 2; plus strand). Cytogenetic location: 5q13.2.
Variant type: single nucleotide variant.
Coding change: c.1052A>G on transcript NM_022132.5 (MANE Select); coding-DNA position 1052, A replaced by G.
Protein change: p.Tyr351Cys; replaces tyrosine 351 with cysteine.
Molecular consequence: missense variant.
Genome position (GRCh38, 1-based): chr5:71,641,055, A>G. VCF-style: chr5-71641055-A-G. GRCh37 (hg19) VCF-style: chr5-70936882-A-G.
Other names: c.938A>G, p.Tyr313Cys (NM_001363147.1); short protein forms Y313C, Y351C.
Identifiers: ClinVar variation 2682465 (VCV002682465.1), dbSNP rs2530841647, ClinGen allele CA359991455.

ClinVar aggregate classification (germline): Uncertain significance (1 of 4 stars; one submission).

Submission:

Women's Health and Genetics/Laboratory Corporation of America, LabCorp
Classification: Uncertain significance. Last evaluated: 2023-11-10. Review status: criteria provided, single submitter. Criteria: LabCorp Variant Classification Summary - May 2015. Collection method: clinical testing. Allele origin: germline.
Comment: Variant summary: MCCC2 c.1052A>G (p.Tyr351Cys) results in a non-conservative amino acid change located in the Acetyl-coenzyme A carboxyltransferase, C-terminal domain (IPR011763) of the encoded protein sequence. Five of five in-silico tools predict a damaging effect of the variant on protein function. The variant was absent in 251280 control chromosomes. The available data on variant occurrences in the general population are insufficient to allow any conclusion about variant significance. c.1052A>G has been reported in the literature in at least one compound heterozygous infant affected with Methylcrotonyl-CoA Carboxylase Deficiency (e.g. Cheng_2023). These data are not sufficient to allow any conclusion about variant significance. To our knowledge, no experimental evidence demonstrating an impact on protein function has been reported. The following publication has been ascertained in the context of this evaluation (PMID: 36822454). No submitters have cited clinical-significance assessments for this variant to ClinVar after 2014. Based on the evidence outlined above, the variant was classified as uncertain significance.

Literature cited by the submitters: PubMed 36822454.